The following is an entry in ClinVar:

ClinVar aggregate classification (somatic clinical impact): Tier I - Strong (1 of 4 stars; one submission).

Conditions:
Astrocytoma IDH-mutant. Identifiers: MedGen C5669733.

Submission:

Institute for Genomic Medicine (IGM) Clinical Laboratory, Nationwide Children's Hospital
Classification: Tier I - Strong for Astrocytoma IDH-mutant. Assertion type: diagnostic. Clinical significance: supports diagnosis. Last evaluated: 2024-03-21. Review status: criteria provided, single submitter. Criteria: AMP/ASCO/CAP Guidelines, 2017. Collection method: clinical testing. Allele origin: somatic. Affected: yes.
Comment: Variant has Tier I (strong) clinical significance as a diagnostic inclusion criterion in Astrocytoma IDH-mutant, based on the following evidence: 1) Diagnostic for a specific tumor type/classification according to professional guidelines (Evidence Level A; PMIDs: 33772213, 33692446, 30326163, 24140581, 22886134, 37185778).

Literature cited by the submitters: PubMed 33772213; PubMed 33692446; PubMed 30326163; PubMed 24140581; PubMed 22886134; PubMed 37185778.

NM_000489.6(ATRX):c.5359G>T (p.Gly1787Cys)

Gene: ATRX (ATRX chromatin remodeler; minus strand). Cytogenetic location: Xq21.1.
Variant type: single nucleotide variant.
Coding change: c.5359G>T on transcript NM_000489.6 (MANE Select); coding-DNA position 5359, G replaced by T.
Protein change: p.Gly1787Cys; replaces glycine 1787 with cysteine.
Molecular consequence: missense variant.
Genome position (GRCh38, 1-based): chrX:77,618,895, C>A on the plus strand (G>T on the coding strand, the complement: ATRX is on the minus strand). VCF-style: chrX-77618895-C-A. GRCh37 (hg19) VCF-style: chrX-76874363-C-A.
Other names: c.5245G>T, p.Gly1749Cys (NM_138270.5); short protein forms G1749C, G1787C.
Identifiers: ClinVar variation 4530224 (VCV004530224.1).